The following is an entry in ClinVar:

NM_024642.5(GALNT12):c.1339G>A (p.Gly447Arg)

Gene: GALNT12 (polypeptide N-acetylgalactosaminyltransferase 12; plus strand). Cytogenetic location: 9q22.33.
Variant type: single nucleotide variant.
Coding change: c.1339G>A on transcript NM_024642.5 (MANE Select); coding-DNA position 1339, G replaced by A.
Protein change: p.Gly447Arg; replaces glycine 447 with arginine.
Molecular consequence: missense variant.
Genome position (GRCh38, 1-based): chr9:98,840,128, G>A. VCF-style: chr9-98840128-G-A. GRCh37 (hg19) VCF-style: chr9-101602410-G-A.
Other names: short protein forms G447R.
Identifiers: ClinVar variation 485649 (VCV000485649.17), dbSNP rs376441206, ClinGen allele CA5154236.

ClinVar aggregate classification (germline): Conflicting classifications of pathogenicity. Review status: criteria provided, conflicting classifications (1 of 4 stars). 4 submissions from 4 submitters: Uncertain significance (3); Likely benign (1). Last evaluated 2026-02-02.

Conditions:
Colorectal cancer, susceptibility to, 1. Also called: COLORECTAL ADENOMA AND CANCER, SUSCEPTIBILITY TO; COLORECTAL CANCER, SUSCEPTIBILITY TO, ON CHROMOSOME 9. Identifiers: MedGen C1837315, MONDO:0012132, OMIM 608812.

Allele frequency attached by ClinVar (database versions not stated): ExAC 0.00010; ESP Exome Variant Server 0.00015; gnomAD exomes 0.00016; gnomAD 0.00027 and 0.00029; TOPMed 0.00030.
gnomAD v4.1: 166 of 1,613,240 alleles (0.01%); highest among the groups gnomAD compares: Admixed American, 0.072%; no homozygotes.

Submissions (4):

Labcorp Genetics (formerly Invitae), Labcorp
Classification: Uncertain significance. Last evaluated: 2026-02-02. Review status: criteria provided, single submitter. Criteria: Invitae Variant Classification Sherloc (09022015). Collection method: clinical testing. Allele origin: germline.
Comment: This sequence change replaces glycine, which is neutral and non-polar, with arginine, which is basic and polar, at codon 447 of the GALNT12 protein (p.Gly447Arg). This variant is present in population databases (rs376441206, gnomAD 0.06%), and has an allele count higher than expected for a pathogenic variant. This variant has not been reported in the literature in individuals affected with GALNT12-related conditions. ClinVar contains an entry for this variant (Variation ID: 485649). Invitae Evidence Modeling of protein sequence and biophysical properties (such as structural, functional, and spatial information, amino acid conservation, physicochemical variation, residue mobility, and thermodynamic stability) indicates that this missense variant is not expected to disrupt GALNT12 protein function with a negative predictive value of 80%. In summary, the available evidence is currently insufficient to determine the role of this variant in disease. Therefore, it has been classified as a Variant of Uncertain Significance.

Ambry Genetics
Classification: Uncertain significance. Last evaluated: 2025-03-28. Review status: criteria provided, single submitter. Criteria: Ambry Variant Classification Scheme 2023. Collection method: clinical testing. Allele origin: germline.
Comment: The p.G447R variant (also known as c.1339G>A), located in coding exon 7 of the GALNT12 gene, results from a G to A substitution at nucleotide position 1339. The glycine at codon 447 is replaced by arginine, an amino acid with dissimilar properties. This amino acid position is highly conserved in available vertebrate species. In addition, this alteration is predicted to be deleterious by in silico analysis. The evidence for this gene-disease relationship is limited; therefore, the clinical significance of this alteration is unclear.

Quest Diagnostics Nichols Institute San Juan Capistrano
Classification: Likely benign. Last evaluated: 2023-08-09. Review status: criteria provided, single submitter. Criteria: Quest Diagnostics criteria. Collection method: clinical testing. Allele origin: unknown.

Fulgent Genetics
Classification: Uncertain significance for Colorectal cancer, susceptibility to, 1. Last evaluated: 2018-10-31. Review status: criteria provided, single submitter. Criteria: ACMG Guidelines, 2015. Collection method: clinical testing. Allele origin: unknown.